The following is an entry in ClinVar:

ClinVar aggregate classification (germline): Uncertain significance (1 of 4 stars; one submission).

Conditions:
MEGF10-related myopathy (CMYO10A). Also called: Congenital myopathy 10A, severe variant. Identifiers: Orphanet 439212, MedGen C3280679, MONDO:0013731, OMIM 614399.

Allele frequency attached by ClinVar (database versions not stated): TOPMed below 0.00001.
gnomAD v4.1: 2 of 1,612,894 alleles (0.00012%); highest among the groups gnomAD compares: South Asian, 0.0011%; no homozygotes.

Submission:

Neuberg Centre For Genomic Medicine, NCGM
Classification: Uncertain significance for MEGF10-related myopathy. Review status: criteria provided, single submitter. Criteria: ACMG Guidelines, 2015. Collection method: clinical testing. Allele origin: germline. Affected: yes.
Comment: The missense variant p.R90C in MEGF10 (NM_001256545.1) has not been reported previously as a pathogenic variantnor as a benign variant, to our knowledge.The p.R90C variant is observed in 1/30,604 (0.0033%) alleles from individuals of South Asian background in gnomADExomes and is novel (not in any individuals) in 1000 Genomes.There is a large physicochemical difference between arginine and cysteine, which is likely to impact secondary proteinstructure as these residues differ in polarity, charge, size and/or other properties.In silico tools predict the above variation tobe damaging while the residue is conserved across species.For these reasons, this variant has been classified asUncertain Significance

NM_001256545.2(MEGF10):c.268C>T (p.Arg90Cys)

Gene: MEGF10 (multiple EGF like domains 10; plus strand). Cytogenetic location: 5q23.2.
Variant type: single nucleotide variant.
Coding change: c.268C>T on transcript NM_001256545.2 (MANE Select); coding-DNA position 268, C replaced by T.
Protein change: p.Arg90Cys; replaces arginine 90 with cysteine.
Molecular consequence: missense variant.
Genome position (GRCh38, 1-based): chr5:127,340,579, C>T. VCF-style: chr5-127340579-C-T. GRCh37 (hg19) VCF-style: chr5-126676271-C-T.
Other names: c.268C>T, p.Arg90Cys (NM_001308119.2, NM_001308121.2, NM_032446.3); short protein forms R90C.
Identifiers: ClinVar variation 1878624 (VCV001878624.1), dbSNP rs1173217783, ClinGen allele CA360822939.